The following is an entry in ClinVar:

NM_000079.4(CHRNA1):c.766C>A (p.Pro256Thr)

Gene: CHRNA1 (cholinergic receptor nicotinic alpha 1 subunit; minus strand). Cytogenetic location: 2q31.1.
Variant type: single nucleotide variant.
Coding change: c.766C>A on transcript NM_000079.4 (MANE Select); coding-DNA position 766, C replaced by A.
Protein change: p.Pro256Thr; replaces proline 256 with threonine.
Molecular consequence: missense variant.
Genome position (GRCh38, 1-based): chr2:174,753,515, G>T on the plus strand (C>A on the coding strand, the complement: CHRNA1 is on the minus strand). VCF-style: chr2-174753515-G-T. GRCh37 (hg19) VCF-style: chr2-175618243-G-T.
Other names: c.841C>A, p.Pro281Thr (NM_001039523.3); short protein forms P256T, P281T.
Identifiers: ClinVar variation 930934 (VCV000930934.3), dbSNP rs1683899724, ClinGen allele CA349338692.
Genomic context (GRCh38, chr2:174,753,515, plus strand): 5'-ACGAGACCCATCAGCGTCAGCAGCAGCAGTCATGGCAACCACACCCACCTGAGTCTGTGG[G>T]CAGGTAGAATACCAGGCCAGTTAAGAAGGAGAAGAGCAGGCAGGGGATGATGACGTTGAC-3'
Protein context (NP_000070.1, residues 246-266): SFLTGLVFYL[Pro256Thr]TDSGEKMTLS

ClinVar aggregate classification (germline): Uncertain significance (1 of 4 stars; one submission).

Conditions:
Myasthenic syndrome, congenital, 1A, slow-channel. Also called: CMS IIa; MYASTHENIC SYNDROME, CONGENITAL, TYPE IIa; Congenital myasthenic syndrome 1A. Identifiers: MedGen C2931107, MONDO:0011088, OMIM 601462.

Submission:

Centre for Mendelian Genomics, University Medical Centre Ljubljana
Classification: Uncertain significance for Myasthenic syndrome, congenital, 1A, slow-channel. Last evaluated: 2018-11-30. Review status: criteria provided, single submitter. Criteria: ACMG Guidelines, 2015. Collection method: clinical testing. Allele origin: unknown. Affected: yes.
Comment: This variant was classified as: Uncertain significance. The available evidence on this variant's pathogenicity is insufficient or conflicting. The following ACMG criteria were applied in classifying this variant: PM2,PP2,PP3.